The following is an entry in ClinVar:

ClinVar aggregate classification (germline): Uncertain significance. Review status: criteria provided, multiple submitters, no conflicts (2 of 4 stars). 2 submissions from 2 submitters: Uncertain significance (2). Last evaluated 2026-01-20.

Conditions:
Hereditary cancer-predisposing syndrome. Also called: Hereditary Cancer Syndrome; Hereditary neoplastic syndrome; Neoplastic Syndromes, Hereditary; Tumor predisposition. Identifiers: Orphanet 140162, MedGen C0027672, MeSH D009386, MONDO:0015356.
Hereditary breast ovarian cancer syndrome. Also called: BRCA1- and BRCA2-Associated Hereditary Breast and Ovarian Cancer; Hereditary breast and ovarian cancer syndrome (HBOC); Hereditary breast and ovarian cancer syndrome; Breast and ovarian cancer; Hereditary breast and ovarian cancer; Hereditary breast and/or ovarian cancer syndrome. Identifiers: Orphanet 145, MedGen C0677776, MeSH D061325, MONDO:0003582. Disease mechanism: loss of function.

Allele frequency attached by ClinVar (database versions not stated): gnomAD exomes below 0.00001.
gnomAD v4.1: 2 of 1,614,104 alleles (0.00012%); highest among the groups gnomAD compares: South Asian, 0.0011%; no homozygotes.

Submissions (3):

Labcorp Genetics (formerly Invitae), Labcorp
Classification: Uncertain significance for Hereditary breast ovarian cancer syndrome. Last evaluated: 2026-01-20. Review status: criteria provided, single submitter. Criteria: Invitae Variant Classification Sherloc (09022015). Collection method: clinical testing. Allele origin: germline.
Comment: This sequence change replaces asparagine, which is neutral and polar, with aspartic acid, which is acidic and polar, at codon 1742 of the BRCA1 protein (p.Asn1742Asp). This variant is not present in population databases (gnomAD no frequency). This variant has not been reported in the literature in individuals affected with BRCA1-related conditions. ClinVar contains an entry for this variant (Variation ID: 825568). Invitae Evidence Modeling of protein sequence and biophysical properties (such as structural, functional, and spatial information, amino acid conservation, physicochemical variation, residue mobility, and thermodynamic stability) indicates that this missense variant is not expected to disrupt BRCA1 protein function with a negative predictive value of 95%. Experimental studies are conflicting or provide insufficient evidence to determine the effect of this variant on BRCA1 function (PMID: 30209399). In summary, the available evidence is currently insufficient to determine the role of this variant in disease. Therefore, it has been classified as a Variant of Uncertain Significance.

Ambry Genetics
Classification: Uncertain significance for Hereditary cancer-predisposing syndrome. Last evaluated: 2025-02-08. Review status: criteria provided, single submitter. Criteria: Ambry Variant Classification Scheme 2023. Collection method: clinical testing. Allele origin: germline.
Comment: The p.N1742D variant (also known as c.5224A>G), located in coding exon 18 of the BRCA1 gene, results from an A to G substitution at nucleotide position 5224. The asparagine at codon 1742 is replaced by aspartic acid, an amino acid with highly similar properties. One functional study found that this nucleotide substitution results in intermediate function in a high-throughput, genome editing, haploid cell survival assay (Findlay GM et al. Nature, 2018 10;562:217-222). This amino acid position is well conserved in available vertebrate species. In addition, the in silico prediction for this alteration is inconclusive. Since supporting evidence is limited at this time, the clinical significance of this alteration remains unclear.

Brotman Baty Institute, University of Washington
No classification provided (evidence only). Condition: Breast-ovarian cancer, familial 1. Review status: no classification provided. Collection method: in vitro. Allele origin: not applicable. Functional consequence: function_uncertain_variant. Not counted in ClinVar's aggregate classification.
ClinVar note: "not provided" was previously submitted as the classification for the variant. However, the classification appeared to be based only on an observation of functional data so it was converted to no classification on 2025-07-30.

Literature cited by the submitters: PubMed 30209399 (cited by Labcorp Genetics (formerly Invitae), Labcorp and Ambry Genetics).

NM_007294.4(BRCA1):c.5224A>G (p.Asn1742Asp)

Gene: BRCA1 (BRCA1 DNA repair associated; minus strand). Cytogenetic location: 17q21.31.
Variant type: single nucleotide variant.
Coding change: c.5224A>G on transcript NM_007294.4 (MANE Select); coding-DNA position 5224, A replaced by G.
Protein change: p.Asn1742Asp; replaces asparagine 1742 with aspartic acid.
Molecular consequence: missense variant. On other transcripts: non-coding transcript variant (1).
Genome position (GRCh38, 1-based): chr17:43,057,105, T>C on the plus strand (A>G on the coding strand, the complement: BRCA1 is on the minus strand). VCF-style: chr17-43057105-T-C. GRCh37 (hg19) VCF-style: chr17-41209122-T-C.
Other names: c.5011A>G, p.Asn1671Asp (NM_001407571.1, NM_001407894.1, NM_001407895.1 and 12 more transcripts); c.5290A>G, p.Asn1764Asp (NM_001407581.1, NM_001407582.1); c.5287A>G, p.Asn1763Asp (NM_001407583.1, NM_001407585.1, NM_001407587.1 and 1 more transcripts); c.5284A>G, p.Asn1762Asp (NM_001407590.1, NM_001407591.1); c.5224A>G, p.Asn1742Asp (NM_001407593.1, NM_001407594.1, NM_001407596.1 and 7 more transcripts); c.5221A>G, p.Asn1741Asp (NM_001407610.1, NM_001407611.1, NM_001407622.1 and 17 more transcripts); c.5218A>G, p.Asn1740Asp (NM_001407627.1, NM_001407628.1, NM_001407629.1 and 14 more transcripts); c.5215A>G, p.Asn1739Asp (NM_001407644.1, NM_001407645.1); and 72 more; short protein forms N1763D, N638D, N1695D, N1742D, N1588D, N1631D, N1654D, N1693D.
Identifiers: ClinVar variation 825568 (VCV000825568.16), dbSNP rs1597810828, ClinGen allele CA10591096.